The following is an entry in ClinVar:

NM_001083961.2(WDR62):c.4546G>A (p.Val1516Met)

Gene: WDR62 (WD repeat domain 62; plus strand). Cytogenetic location: 19q13.12.
Variant type: single nucleotide variant.
Coding change: c.4546G>A on transcript NM_001083961.2 (MANE Select); coding-DNA position 4546, G replaced by A.
Protein change: p.Val1516Met; replaces valine 1516 with methionine.
Molecular consequence: missense variant.
Genome position (GRCh38, 1-based): chr19:36,105,002, G>A. VCF-style: chr19-36105002-G-A. GRCh37 (hg19) VCF-style: chr19-36595904-G-A.
Other names: c.4531G>A, p.Val1511Met (NM_173636.5); short protein forms V1516M, V1511M.
Identifiers: ClinVar variation 328937 (VCV000328937.12), dbSNP rs369708392, ClinGen allele CA9396602.
Genomic context (GRCh38, chr19:36,105,002, plus strand): 5'-CTGGCCAGCCCAGACCTGCAGGCCCTGCTGGAACACTACTCGGAGCTGCTGGTGCAGGCC[G>A]TGCGGAGGAAGGCACGGGGGCACTGAGGGCGCAGCCCCTCCACCGCAGCCCTGCTGCTTC-3'
Protein context (NP_001077430.1, residues 1506-1523): EHYSELLVQA[Val1516Met]RRKARGH

ClinVar aggregate classification (germline): Uncertain significance. Review status: criteria provided, multiple submitters, no conflicts (2 of 4 stars). 4 submissions from 4 submitters: Uncertain significance (4). Last evaluated 2025-10-02.

Conditions:
Inborn genetic diseases. Identifiers: MedGen C0950123, MeSH D030342.
Microcephaly 2, primary, autosomal recessive, with or without cortical malformations. Also called: MICROCEPHALY 2, PRIMARY, AUTOSOMAL RECESSIVE, WITH CORTICAL MALFORMATIONS; WDR62 Primary Microcephaly. Identifiers: Orphanet 2512, MedGen C1858535, MONDO:0011435, OMIM 604317.

Allele frequency attached by ClinVar (database versions not stated): gnomAD exomes 0.00002; ExAC 0.00004; TOPMed 0.00007; ESP Exome Variant Server 0.00008; gnomAD 0.00008 and 0.00009.
gnomAD v4.1: 37 of 1,601,160 alleles (0.0023%); highest among the groups gnomAD compares: African/African-American, 0.029%; no homozygotes.

Submissions (4):

Ambry Genetics
Classification: Uncertain significance for Inborn genetic diseases. Last evaluated: 2025-10-02. Review status: criteria provided, single submitter. Criteria: Ambry Variant Classification Scheme 2023. Collection method: clinical testing. Allele origin: germline.

GeneDx
Classification: Uncertain significance. Last evaluated: 2024-04-10. Review status: criteria provided, single submitter. Criteria: GeneDx Variant Classification Process June 2021. Collection method: clinical testing. Allele origin: germline. Affected: yes.
Comment: In silico analysis indicates that this missense variant does not alter protein structure/function; Has not been previously published as pathogenic or benign to our knowledge

Illumina Laboratory Services, Illumina
Classification: Uncertain significance for Microcephaly 2, primary, autosomal recessive, with or without cortical malformations. Last evaluated: 2018-01-13. Review status: criteria provided, single submitter. Criteria: ICSL Variant Classification Criteria 13 December 2019. Collection method: clinical testing. Allele origin: germline.

Breakthrough Genomics
Classification: Uncertain significance. Review status: criteria provided, single submitter. Criteria: ACMG Guidelines, 2015. Collection method: not provided. Allele origin: germline. Inheritance: Autosomal dominant inheritance. Affected: yes.